The following is an entry in ClinVar:

NM_001384732.1(CPLANE1):c.4678T>C (p.Tyr1560His)

Gene: CPLANE1 (ciliogenesis and planar polarity effector complex subunit 1; minus strand). Cytogenetic location: 5p13.2.
Variant type: single nucleotide variant.
Coding change: c.4678T>C on transcript NM_001384732.1 (MANE Select); coding-DNA position 4678, T replaced by C.
Protein change: p.Tyr1560His; replaces tyrosine 1560 with histidine.
Molecular consequence: missense variant.
Genome position (GRCh38, 1-based): chr5:37,183,503, A>G on the plus strand (T>C on the coding strand, the complement: CPLANE1 is on the minus strand). VCF-style: chr5-37183503-A-G. GRCh37 (hg19) VCF-style: chr5-37183605-A-G.
Other names: c.4678T>C, p.Tyr1560His (NM_023073.4); short protein forms Y1560H.
Identifiers: ClinVar variation 1426294 (VCV001426294.10), dbSNP rs772945484, ClinGen allele CA3238658.

ClinVar aggregate classification (germline): Uncertain significance. Review status: criteria provided, multiple submitters, no conflicts (2 of 4 stars). 2 submissions from 2 submitters: Uncertain significance (2). Last evaluated 2024-04-10.

Conditions:
Joubert syndrome 17 (JBTS17). Identifiers: Orphanet 475, MedGen C3553264, MONDO:0013824, OMIM 614615.
Orofaciodigital syndrome type 6 (OFD6). Also called: Oral-facial-digital syndrome type 6; Central polydactyly cleft lip/palate or lingual lump and psychomotor retardation; Y-shaped central metacarpal and cerebellar defect; Joubert syndrome with orofacialdigital anomalies; OROFACIODIGITAL SYNDROME VI; OFDS VI. Identifiers: Orphanet 2754, MedGen C2745997, MONDO:0010176, OMIM 277170.

Allele frequency attached by ClinVar (database versions not stated): gnomAD exomes below 0.00001 and 0.00001; ExAC 0.00002; TOPMed 0.00002; gnomAD 0.00003.
gnomAD v4.1: 7 of 1,613,494 alleles (0.00043%); highest among the groups gnomAD compares: African/African-American, 0.008%; no homozygotes.

Submissions (2):

Fulgent Genetics
Classification: Uncertain significance for Orofaciodigital syndrome type 6; Joubert syndrome 17. Last evaluated: 2024-04-10. Review status: criteria provided, single submitter. Criteria: ACMG Guidelines, 2015. Collection method: clinical testing. Allele origin: germline.

Labcorp Genetics (formerly Invitae), Labcorp
Classification: Uncertain significance. Last evaluated: 2022-03-19. Review status: criteria provided, single submitter. Criteria: Invitae Variant Classification Sherloc (09022015). Collection method: clinical testing. Allele origin: germline.
Comment: In summary, the available evidence is currently insufficient to determine the role of this variant in disease. Therefore, it has been classified as a Variant of Uncertain Significance. Advanced modeling of protein sequence and biophysical properties (such as structural, functional, and spatial information, amino acid conservation, physicochemical variation, residue mobility, and thermodynamic stability) performed at Invitae indicates that this missense variant is expected to disrupt CPLANE1 protein function. This variant has not been reported in the literature in individuals affected with CPLANE1-related conditions. This variant is present in population databases (rs772945484, gnomAD 0.02%). This sequence change replaces tyrosine, which is neutral and polar, with histidine, which is basic and polar, at codon 1560 of the CPLANE1 protein (p.Tyr1560His).